The following is an entry in ClinVar:

NM_004813.4(PEX16):c.*158A>C

Gene: PEX16 (peroxisomal biogenesis factor 16; minus strand). Cytogenetic location: 11p11.2.
Variant type: single nucleotide variant.
Coding change: c.*158A>C on transcript NM_004813.4 (MANE Select); 158 bases downstream of the stop codon, A replaced by C.
Molecular consequence: 3 prime UTR variant. On other transcripts: missense variant (1).
Genome position (GRCh38, 1-based): chr11:45,910,096, T>G on the plus strand (A>C on the coding strand, the complement: PEX16 is on the minus strand). VCF-style: chr11-45910096-T-G. GRCh37 (hg19) VCF-style: chr11-45931647-T-G.
Other names: p.His345Pro; c.1034A>C (NM_057174.2); c.1034A>C, p.His345Pro (NM_057174.3); short protein forms H345P.
Identifiers: ClinVar variation 304783 (VCV000304783.10), dbSNP rs79435202, ClinGen allele CA5959675.

ClinVar aggregate classification (germline): Benign/Likely benign. Review status: criteria provided, multiple submitters, no conflicts (2 of 4 stars). 5 submissions from 5 submitters: Benign (2); Likely benign (3). Last evaluated 2021-02-04.

Conditions:
Peroxisome biogenesis disorder 8A (Zellweger). Also called: Peroxisome biogenesis disorder 8A. Identifiers: Orphanet 912, MedGen C3553959, MONDO:0013942, OMIM 614876.

Allele frequency attached by ClinVar (database versions not stated): ESP Exome Variant Server 0.01207; gnomAD 0.01344 and 0.01440; 1000 Genomes Project 30x 0.01796; 1000 Genomes Project 0.01677; gnomAD exomes 0.00403 and 0.00180; TOPMed 0.01515; ExAC 0.00453.

Submissions (5):

Mayo Clinic Laboratories, Mayo Clinic
Classification: Benign. Last evaluated: 2021-02-04. Review status: criteria provided, single submitter. Criteria: ACMG Guidelines, 2015. Collection method: clinical testing. Allele origin: germline. Observed: 13 variant alleles.

GeneDx
Classification: Likely benign. Last evaluated: 2020-11-18. Review status: criteria provided, single submitter. Criteria: GeneDx Variant Classification Process June 2021. Collection method: clinical testing. Allele origin: germline. Affected: yes.

Illumina Laboratory Services, Illumina
Classification: Benign for Peroxisome biogenesis disorder 8A (Zellweger). Last evaluated: 2018-01-12. Review status: criteria provided, single submitter. Criteria: ICSL Variant Classification Criteria 13 December 2019. Collection method: clinical testing. Allele origin: germline.
Comment: This variant was observed in the ICSL laboratory as part of a predisposition screen in an ostensibly healthy population. It had not been previously curated by ICSL or reported in the Human Gene Mutation Database (HGMD: prior to June 1st, 2018), and was therefore a candidate for classification through an automated scoring system. Utilizing variant allele frequency, disease prevalence and penetrance estimates, and inheritance mode, an automated score was calculated to assess if this variant is too frequent to cause the disease. Based on the score and internal cut-off values, a variant classified as benign is not then subjected to further curation. The score for this variant resulted in a classification of benign for this disease.

Center for Pediatric Genomic Medicine, Children's Mercy Hospital and Clinics
Classification: Likely benign. Last evaluated: 2017-03-10. Review status: criteria provided, single submitter. Criteria: ACMG Guidelines, 2015. Collection method: clinical testing. Allele origin: germline.

Breakthrough Genomics
Classification: Likely benign. Review status: criteria provided, single submitter. Criteria: ACMG Guidelines, 2015. Collection method: not provided. Allele origin: germline. Inheritance: Autosomal recessive inheritance. Affected: yes.